The following is an entry in ClinVar:

NM_000038.6(APC):c.4315C>G (p.Pro1439Ala)

Gene: APC (APC regulator of Wnt signaling pathway; plus strand). Cytogenetic location: 5q22.2.
Variant type: single nucleotide variant.
Coding change: c.4315C>G on transcript NM_000038.6 (MANE Select); coding-DNA position 4315, C replaced by G.
Protein change: p.Pro1439Ala; replaces proline 1439 with alanine.
Molecular consequence: missense variant.
Genome position (GRCh38, 1-based): chr5:112,839,909, C>G. VCF-style: chr5-112839909-C-G. GRCh37 (hg19) VCF-style: chr5-112175606-C-G.
Other names: c.4315C>G, p.Pro1439Ala (NM_001127510.3, NM_001354895.2, NM_001407450.1); c.4261C>G, p.Pro1421Ala (NM_001127511.3); c.4369C>G, p.Pro1457Ala (NM_001354896.2, NM_001407447.1, NM_001407448.1 and 1 more transcripts); c.4345C>G, p.Pro1449Ala (NM_001354897.2); c.4240C>G, p.Pro1414Ala (NM_001354898.2); c.4231C>G, p.Pro1411Ala (NM_001354899.2); c.4192C>G, p.Pro1398Ala (NM_001354900.2); c.4138C>G, p.Pro1380Ala (NM_001354901.2, NM_001407453.1); and 11 more; short protein forms P1055A, P1310A, P1429A, P1156A, P1279A, P1356A, P1421A, P1439A.
Identifiers: ClinVar variation 2119280 (VCV002119280.6), dbSNP rs2149911482, ClinGen allele CA16030790.

ClinVar aggregate classification (germline): Uncertain significance. Review status: criteria provided, multiple submitters, no conflicts (2 of 4 stars). 2 submissions from 2 submitters: Uncertain significance (2). Last evaluated 2025-03-27.

Conditions:
Hereditary cancer-predisposing syndrome. Also called: Hereditary Cancer Syndrome; Tumor predisposition; Neoplastic Syndromes, Hereditary; Hereditary neoplastic syndrome. Identifiers: Orphanet 140162, MedGen C0027672, MeSH D009386, MONDO:0015356.
Familial adenomatous polyposis 1 (FAP1). Also called: POLYPOSIS, ADENOMATOUS INTESTINAL; FAMILIAL ADENOMATOUS POLYPOSIS 1, ATTENUATED. Identifiers: MedGen C2713442, MONDO:0021056, OMIM 175100. Disease mechanism: loss of function.

Submissions (2):

Color Diagnostics, LLC DBA Color Health
Classification: Uncertain significance for Hereditary cancer-predisposing syndrome. Last evaluated: 2025-03-27. Review status: criteria provided, single submitter. Criteria: ACMG Guidelines, 2015. Collection method: clinical testing. Allele origin: germline.
Comment: This missense variant replaces proline with alanine at codon 1439 of the APC protein. Computational prediction suggests that this variant may not impact protein structure and function. To our knowledge, functional studies have not been reported for this variant. This variant has not been reported in individuals affected with hereditary cancer in the literature. This variant has not been identified in the general population by the Genome Aggregation Database (gnomAD). The available evidence is insufficient to determine the role of this variant in disease conclusively. Therefore, this variant is classified as a Variant of Uncertain Significance.

Labcorp Genetics (formerly Invitae), Labcorp
Classification: Uncertain significance for Familial adenomatous polyposis 1. Last evaluated: 2022-03-29. Review status: criteria provided, single submitter. Criteria: Invitae Variant Classification Sherloc (09022015). Collection method: clinical testing. Allele origin: germline.
Comment: This variant is not present in population databases (gnomAD no frequency). This variant has not been reported in the literature in individuals affected with APC-related conditions. Algorithms developed to predict the effect of missense changes on protein structure and function are either unavailable or do not agree on the potential impact of this missense change (SIFT: "Tolerated"; PolyPhen-2: "Probably Damaging"; Align-GVGD: "Class C0"). In summary, the available evidence is currently insufficient to determine the role of this variant in disease. Therefore, it has been classified as a Variant of Uncertain Significance. This sequence change replaces proline, which is neutral and non-polar, with alanine, which is neutral and non-polar, at codon 1439 of the APC protein (p.Pro1439Ala).